The following is an entry in ClinVar:

ClinVar aggregate classification (germline): Likely benign (0 of 4 stars; one submission).

Conditions:
DCHS1-related disorder. Also called: DCHS1-related condition.

Submission:

PreventionGenetics, part of Exact Sciences
Classification: Likely benign for DCHS1-related condition. Last evaluated: 2022-08-10. Review status: no assertion criteria provided. Collection method: clinical testing. Allele origin: germline.
Comment: This variant is classified as likely benign based on ACMG/AMP sequence variant interpretation guidelines (Richards et al. 2015 PMID: 25741868, with internal and published modifications).

NM_003737.4(DCHS1):c.4740G>T (p.Val1580=)

Gene: DCHS1 (dachsous cadherin-related 1; minus strand). Cytogenetic location: 11p15.4.
Variant type: single nucleotide variant.
Coding change: c.4740G>T on transcript NM_003737.4 (MANE Select); coding-DNA position 4740, G replaced by T.
Protein change: p.Val1580=; no amino-acid change (valine 1580 retained).
Molecular consequence: synonymous variant.
Genome position (GRCh38, 1-based): chr11:6,630,054, C>A on the plus strand (G>T on the coding strand, the complement: DCHS1 is on the minus strand). VCF-style: chr11-6630054-C-A. GRCh37 (hg19) VCF-style: chr11-6651285-C-A.
Identifiers: ClinVar variation 3049433 (VCV003049433.2), dbSNP rs2493823378, ClinGen allele CA473240664.